The following is an entry in ClinVar:

ClinVar aggregate classification (germline): Pathogenic (1 of 4 stars; one submission).

Conditions:
Intellectual disability. Also called: Intellectual functioning disability; Intellectual developmental disorder; intellectual disabilities. Identifiers: MedGen C3714756, MeSH D008607, MONDO:0001071, HP:0001249.

Submission:

Labcorp Genetics (formerly Invitae), Labcorp
Classification: Pathogenic for Intellectual disability. Last evaluated: 2022-08-23. Review status: criteria provided, single submitter. Criteria: Invitae Variant Classification Sherloc (09022015). Collection method: clinical testing. Allele origin: germline.
Comment: Advanced modeling of protein sequence and biophysical properties (such as structural, functional, and spatial information, amino acid conservation, physicochemical variation, residue mobility, and thermodynamic stability) performed at Invitae indicates that this missense variant is expected to disrupt GABRB2 protein function. This variant disrupts the p.Pro252 amino acid residue in GABRB2. Other variant(s) that disrupt this residue have been determined to be pathogenic (PMID: 26350515). This suggests that this residue is clinically significant, and that variants that disrupt this residue are likely to be disease-causing. For these reasons, this variant has been classified as Pathogenic. ClinVar contains an entry for this variant (Variation ID: 1057864). This sequence change replaces proline, which is neutral and non-polar, with leucine, which is neutral and non-polar, at codon 252 of the GABRB2 protein (p.Pro252Leu). This variant is not present in population databases (gnomAD no frequency). This missense change has been observed in individual(s) with clinical features of developmental and epileptic encephalopathy (PMID: 33325057). In at least one individual the variant was observed to be de novo.

Literature cited by the submitters: PubMed 26350515; PubMed 33325057.

NM_001371727.1(GABRB2):c.755C>T (p.Pro252Leu)

Gene: GABRB2 (gamma-aminobutyric acid type A receptor subunit beta2; minus strand). Cytogenetic location: 5q34.
Variant type: single nucleotide variant.
Coding change: c.755C>T on transcript NM_001371727.1 (MANE Select); coding-DNA position 755, C replaced by T.
Protein change: p.Pro252Leu; replaces proline 252 with leucine.
Molecular consequence: missense variant.
Genome position (GRCh38, 1-based): chr5:161,334,829, G>A on the plus strand (C>T on the coding strand, the complement: GABRB2 is on the minus strand). VCF-style: chr5-161334829-G-A. GRCh37 (hg19) VCF-style: chr5-160761836-G-A.
Other names: c.755C>T, p.Pro252Leu (NM_000813.3, NM_021911.3); short protein forms P252L.
Identifiers: ClinVar variation 1057864 (VCV001057864.13), dbSNP rs2113405030, ClinGen allele CA362171635.
Genomic context (GRCh38, chr5:161,334,829, plus strand): 5'-GCTGAAGCATCGTAATTAATCCAGAAGGAGACCCAGGAGAGGATGGTAATCAGGATGGAA[G>A]GCATGTATGTTTGCAGGATAAAGTAGCCAATGTTTCTCTTAAGCTTAAAGCTGAGGGATA-3'
Protein context (NP_001358656.1, residues 242-262): IGYFILQTYM[Pro252Leu]SILITILSWV